The following is an entry in ClinVar:

ClinVar aggregate classification (germline): Uncertain significance (1 of 4 stars; one submission).

Conditions:
Dilated cardiomyopathy 1KK (CMD1KK). Identifiers: Orphanet 154, Orphanet 75249, MedGen C3714995, MONDO:0014100, OMIM 615248.

gnomAD v4.1: 27 of 1,612,734 alleles (0.0017%); highest among the groups gnomAD compares: South Asian, 0.026%; no homozygotes.

Submission:

Labcorp Genetics (formerly Invitae), Labcorp
Classification: Uncertain significance for Dilated cardiomyopathy 1KK. Last evaluated: 2018-05-21. Review status: criteria provided, single submitter. Criteria: Invitae Variant Classification Sherloc (09022015). Collection method: clinical testing. Allele origin: germline.
Comment: This sequence change replaces valine with leucine at codon 361 of the MYPN protein (p.Val361Leu). The valine residue is weakly conserved and there is a small physicochemical difference between valine and leucine. This variant is present in population databases (rs527628617, ExAC 0.04%). This variant has not been reported in the literature in individuals with MYPN-related disease. Algorithms developed to predict the effect of missense changes on protein structure and function (SIFT, PolyPhen-2, Align-GVGD) all suggest that this variant is likely to be tolerated, but these predictions have not been confirmed by published functional studies and their clinical significance is uncertain. In summary, the available evidence is currently insufficient to determine the role of this variant in disease. Therefore, it has been classified as a Variant of Uncertain Significance.

NM_032578.4(MYPN):c.1081G>C (p.Val361Leu)

Gene: MYPN (myopalladin; plus strand). Cytogenetic location: 10q21.3.
Variant type: single nucleotide variant.
Coding change: c.1081G>C on transcript NM_032578.4 (MANE Select); coding-DNA position 1081, G replaced by C.
Protein change: p.Val361Leu; replaces valine 361 with leucine.
Molecular consequence: missense variant. On other transcripts: non-coding transcript variant (2).
Genome position (GRCh38, 1-based): chr10:68,145,477, G>C. VCF-style: chr10-68145477-G-C. GRCh37 (hg19) VCF-style: chr10-69905234-G-C.
Other names: c.1081G>C, p.Val361Leu (NM_001256267.2); c.199G>C, p.Val67Leu (NM_001256268.2); short protein forms V361L, V67L.
Identifiers: ClinVar variation 576278 (VCV000576278.7), dbSNP rs527628617, ClinGen allele CA5522429.